The following is an entry in ClinVar:

ClinVar aggregate classification (germline): Uncertain significance (1 of 4 stars; one submission).

Conditions:
ACE-related disorder. Also called: ACE-related condition; ACE-related disorders.

Allele frequency attached by ClinVar (database versions not stated): gnomAD exomes below 0.00001; ExAC 0.00001; gnomAD 0.00001; TOPMed 0.00001.
gnomAD v4.1: 6 of 1,614,060 alleles (0.00037%); highest among the groups gnomAD compares: Non-Finnish European, 0.00042%; no homozygotes.

Submission:

PreventionGenetics, part of Exact Sciences
Classification: Uncertain significance for ACE-related condition. Last evaluated: 2023-05-09. Review status: criteria provided, single submitter. Criteria: ACMG Guidelines, 2015. Collection method: clinical testing. Allele origin: germline.
Comment: The ACE c.1420T>C variant is predicted to result in the amino acid substitution p.Trp474Arg. To our knowledge, this variant has not been reported in the literature. This variant is reported in 0.00088% of alleles in individuals of European (Non-Finnish) descent in gnomAD. Although we suspect that this variant may be pathogenic, at this time, the clinical significance of this variant is uncertain due to the absence of conclusive functional and genetic evidence.

NM_000789.4(ACE):c.1420T>C (p.Trp474Arg)

Gene: ACE (angiotensin I converting enzyme; plus strand). Cytogenetic location: 17q23.3.
Variant type: single nucleotide variant.
Coding change: c.1420T>C on transcript NM_000789.4 (MANE Select); coding-DNA position 1420, T replaced by C.
Protein change: p.Trp474Arg; replaces tryptophan 474 with arginine.
Molecular consequence: missense variant.
Genome position (GRCh38, 1-based): chr17:63,483,106, T>C. VCF-style: chr17-63483106-T-C. GRCh37 (hg19) VCF-style: chr17-61560467-T-C.
Other names: c.853T>C, p.Trp285Arg (NM_001382700.1); c.568T>C, p.Trp190Arg (NM_001382701.1); short protein forms W190R, W285R, W474R.
Identifiers: ClinVar variation 2634449 (VCV002634449.1), dbSNP rs772897915, ClinGen allele CA8699523.